The following is an entry in ClinVar:

ClinVar aggregate classification (germline): Pathogenic (1 of 4 stars; one submission).

Allele frequency attached by ClinVar (database versions not stated): gnomAD exomes below 0.00001.

Submission:

Labcorp Genetics (formerly Invitae), Labcorp
Classification: Pathogenic. Last evaluated: 2023-09-11. Review status: criteria provided, single submitter. Criteria: Invitae Variant Classification Sherloc (09022015). Collection method: clinical testing. Allele origin: germline.
Comment: For these reasons, this variant has been classified as Pathogenic. This variant has not been reported in the literature in individuals affected with ADAMTS17-related conditions. This variant is not present in population databases (gnomAD no frequency). This sequence change creates a premature translational stop signal (p.Asp378Alafs*20) in the ADAMTS17 gene. It is expected to result in an absent or disrupted protein product. Loss-of-function variants in ADAMTS17 are known to be pathogenic (PMID: 19836009, 24940034).

Literature cited by the submitters: PubMed 19836009; PubMed 24940034.

NM_139057.4(ADAMTS17):c.1133del (p.Asp378fs)

Gene: ADAMTS17 (ADAM metallopeptidase with thrombospondin type 1 motif 17; minus strand). Cytogenetic location: 15q26.3.
Variant type: Deletion.
Coding change: c.1133del on transcript NM_139057.4 (MANE Select); coding-DNA position 1133, one base deleted (A; older notation c.1133delA).
Protein change: p.Asp378fs; shifts the reading frame from aspartic acid 378.
Molecular consequence: frameshift variant.
Genome position (GRCh38, 1-based): chr15:100,199,366, T deleted on the plus strand (A on the coding strand, the reverse complement: ADAMTS17 is on the minus strand). VCF-style (leftmost placement, unchanged base first): chr15-100199365-GT-G. GRCh37 (hg19) VCF-style: chr15-100739570-GT-G.
Other names: short protein forms D378fs.
Identifiers: ClinVar variation 2760126 (VCV002760126.3), dbSNP rs2548591444, ClinGen allele CA2630609139.